The following is an entry in ClinVar:

ClinVar aggregate classification (germline): Uncertain significance (1 of 4 stars; one submission).

Submission:

Ambry Genetics
Classification: Uncertain significance. Last evaluated: 2024-03-30. Review status: criteria provided, single submitter. Criteria: Ambry Variant Classification Scheme 2023. Collection method: clinical testing. Allele origin: germline.
Comment: The c.259T>A (p.C87S) alteration is located in exon (coding exon ) of the SH3RF3 gene. This alteration results from a T to A substitution at nucleotide position 259, causing the cysteine (C) at amino acid position 87 to be replaced by a serine (S). Based on insufficient or conflicting evidence, the clinical significance of this alteration remains unclear.

NM_001099289.3(SH3RF3):c.259T>A (p.Cys87Ser)

Genes: RANBP2 (RAN binding protein 2; plus strand), SH3RF3 (SH3 domain containing ring finger 3; plus strand), SH3RF3-AS1 (SH3RF3 antisense RNA 1; minus strand). Cytogenetic location: 2q13.
Variant type: single nucleotide variant.
Coding change: c.259T>A on transcript NM_001099289.3 (MANE Select); coding-DNA position 259, T replaced by A.
Protein change: p.Cys87Ser; replaces cysteine 87 with serine.
Molecular consequence: missense variant. On other transcripts: non-coding transcript variant (1).
Genome position (GRCh38, 1-based): chr2:109,129,799, T>A. VCF-style: chr2-109129799-T-A. GRCh37 (hg19) VCF-style: chr2-109746255-T-A.
Other names: short protein forms C87S.
Identifiers: ClinVar variation 3318137 (VCV003318137.1).
Genomic context (GRCh38, chr2:109,129,799, plus strand): 5'-ACGGCCAAGGTGCTGCCATGCCAACACACTTTCTGCCGCCGCTGCCTGGAGAGCATCGTG[T>A]GCTCGCGCCACGAGCTGCGCTGCCCCGAGTGCCGCATCCTGGTGGGCTGCGGCGTGGACG-3'
Protein context (NP_001092759.1, residues 77-97): FCRRCLESIV[Cys87Ser]SRHELRCPEC